The following is an entry in ClinVar:

ClinVar aggregate classification (germline): Uncertain significance. Review status: criteria provided, multiple submitters, no conflicts (2 of 4 stars). 4 submissions from 4 submitters: Uncertain significance (4). Last evaluated 2022-09-19.

Conditions:
Immunoskeletal dysplasia with neurodevelopmental abnormalities (ISDNA). Identifiers: MedGen C4479452, MONDO:0044312, OMIM 617425.
Inborn genetic diseases. Identifiers: MedGen C0950123, MeSH D030342.

Allele frequency attached by ClinVar (database versions not stated): gnomAD 0.00004 and 0.00005; gnomAD exomes 0.00005 and 0.00006; TOPMed 0.00005; ExAC 0.00008.
gnomAD v4.1: 94 of 1,609,358 alleles (0.0058%); highest among the groups gnomAD compares: Middle Eastern, 0.017%; 1 homozygote.

Submissions (4):

Labcorp Genetics (formerly Invitae), Labcorp
Classification: Uncertain significance. Last evaluated: 2022-09-19. Review status: criteria provided, single submitter. Criteria: Invitae Variant Classification Sherloc (09022015). Collection method: clinical testing. Allele origin: germline.
Comment: This sequence change replaces arginine, which is basic and polar, with tryptophan, which is neutral and slightly polar, at codon 8 of the EXTL3 protein (p.Arg8Trp). This variant is present in population databases (rs780815544, gnomAD 0.02%). This variant has not been reported in the literature in individuals affected with EXTL3-related conditions. ClinVar contains an entry for this variant (Variation ID: 1033843). Algorithms developed to predict the effect of missense changes on protein structure and function are either unavailable or do not agree on the potential impact of this missense change (SIFT: "Deleterious"; PolyPhen-2: "Possibly Damaging"; Align-GVGD: "Class C0"). In summary, the available evidence is currently insufficient to determine the role of this variant in disease. Therefore, it has been classified as a Variant of Uncertain Significance.

Ambry Genetics
Classification: Uncertain significance for Inborn genetic diseases. Last evaluated: 2022-02-28. Review status: criteria provided, single submitter. Criteria: Ambry Variant Classification Scheme 2023. Collection method: clinical testing. Allele origin: germline.

Baylor Genetics
Classification: Uncertain significance for Immunoskeletal dysplasia with neurodevelopmental abnormalities. Last evaluated: 2018-11-08. Review status: criteria provided, single submitter. Criteria: ACMG Guidelines, 2015. Collection method: clinical testing. Allele origin: paternal. Affected: yes.
Comment: This variant was determined to be of uncertain significance according to ACMG Guidelines, 2015 [PMID:25741868].

Breakthrough Genomics
Classification: Uncertain significance. Review status: criteria provided, single submitter. Criteria: ACMG Guidelines, 2015. Collection method: not provided. Allele origin: germline. Inheritance: Autosomal recessive inheritance. Affected: yes.

NM_001440.4(EXTL3):c.22C>T (p.Arg8Trp)

Gene: EXTL3 (exostosin like glycosyltransferase 3; plus strand). Cytogenetic location: 8p21.1.
Variant type: single nucleotide variant.
Coding change: c.22C>T on transcript NM_001440.4 (MANE Select); coding-DNA position 22, C replaced by T.
Protein change: p.Arg8Trp; replaces arginine 8 with tryptophan.
Molecular consequence: missense variant.
Genome position (GRCh38, 1-based): chr8:28,716,081, C>T. VCF-style: chr8-28716081-C-T. GRCh37 (hg19) VCF-style: chr8-28573598-C-T.
Other names: short protein forms R8W.
Identifiers: ClinVar variation 1033843 (VCV001033843.5), dbSNP rs780815544, ClinGen allele CA4695910.